The following is an entry in ClinVar:

NM_001367624.2(ZNF469):c.637A>C (p.Ser213Arg)

Gene: ZNF469 (zinc finger protein 469; plus strand). Cytogenetic location: 16q24.2.
Variant type: single nucleotide variant.
Coding change: c.637A>C on transcript NM_001367624.2 (MANE Select); coding-DNA position 637, A replaced by C.
Protein change: p.Ser213Arg; replaces serine 213 with arginine.
Molecular consequence: missense variant.
Genome position (GRCh38, 1-based): chr16:88,428,107, A>C. VCF-style: chr16-88428107-A-C. GRCh37 (hg19) VCF-style: chr16-88494515-A-C.
Other names: NM_001127464.1:c.637A>C; short protein forms S213R.
Identifiers: ClinVar variation 1753150 (VCV001753150.3), dbSNP rs2142297770, ClinGen allele CA397061318.
Genomic context (GRCh38, chr16:88,428,107, plus strand): 5'-TCCACCAACTATACCTCACCAAGCGCCACCCCCAGGCCCCCAGCCCCGGGGCCCCCCCAG[A>C]GCAGGGGCACCAGCCCCCTCCAGCCCGGTTCCTATCCCGAATACCAGGCCAGTGGGGCCG-3'
Protein context (NP_001354553.1, residues 203-223): PRPPAPGPPQ[Ser213Arg]RGTSPLQPGS

ClinVar aggregate classification (germline): Uncertain significance (1 of 4 stars; one submission).

Conditions:
Cardiovascular phenotype. Identifiers: MedGen CN230736.

gnomAD v4.1: 1 of 1,549,386 alleles (0.000065%); highest among the groups gnomAD compares: Non-Finnish European, 0.000087%; no homozygotes.

Submission:

Ambry Genetics
Classification: Uncertain significance for Cardiovascular phenotype. Last evaluated: 2024-06-12. Review status: criteria provided, single submitter. Criteria: Ambry Variant Classification Scheme 2023. Collection method: clinical testing. Allele origin: germline.
Comment: The p.S213R variant (also known as c.637A>C), located in coding exon 1 of the ZNF469 gene, results from an A to C substitution at nucleotide position 637. The serine at codon 213 is replaced by arginine, an amino acid with dissimilar properties. This amino acid position is conserved. In addition, this alteration is predicted to be tolerated by in silico analysis. Since supporting evidence is limited at this time, the clinical significance of this alteration remains unclear.